The following is an entry in ClinVar:

ClinVar aggregate classification (germline): Uncertain significance. Review status: criteria provided, multiple submitters, no conflicts (2 of 4 stars). 3 submissions from 3 submitters: Uncertain significance (3). Last evaluated 2025-04-01.

Conditions:
Kennedy disease (SMAX1). Also called: KENNEDY SPINAL AND BULBAR MUSCULAR ATROPHY; SPINAL AND BULBAR MUSCULAR ATROPHY, X-LINKED 1; Spinal and Bulbar Muscular Atrophy. Identifiers: Orphanet 481, MedGen C1839259, MONDO:0010735, OMIM 313200.
Inborn genetic diseases. Identifiers: MedGen C0950123, MeSH D030342.

Allele frequency attached by ClinVar (database versions not stated): gnomAD exomes below 0.00001 and 0.00001; ExAC 0.00001; gnomAD 0.00001; TOPMed 0.00001.
gnomAD v4.1: 2 of 1,210,654 alleles (0.00017%); highest among the groups gnomAD compares: Admixed American, 0.0044%; no homozygotes.

Submissions (3):

Ambry Genetics
Classification: Uncertain significance for Inborn genetic diseases. Last evaluated: 2025-04-01. Review status: criteria provided, single submitter. Criteria: Ambry Variant Classification Scheme 2023. Collection method: clinical testing. Allele origin: germline.

GeneDx
Classification: Uncertain significance. Last evaluated: 2022-04-26. Review status: criteria provided, single submitter. Criteria: GeneDx Variant Classification Process June 2021. Collection method: clinical testing. Allele origin: germline. Affected: yes.
Comment: Not observed at significant frequency in large population cohorts (gnomAD); Missense variants in this gene are often considered pathogenic (HGMD); In silico analysis supports that this missense variant does not alter protein structure/function; Has not been previously published as pathogenic or benign to our knowledge

Baylor Genetics
Classification: Uncertain significance for Kennedy disease. Last evaluated: 2019-05-17. Review status: criteria provided, single submitter. Criteria: ACMG Guidelines, 2015. Collection method: clinical testing. Allele origin: maternal. Affected: yes.
Comment: This variant was determined to be of uncertain significance according to ACMG Guidelines, 2015 [PMID:25741868].

NM_000044.6(AR):c.631G>A (p.Ala211Thr)

Gene: AR (androgen receptor; plus strand). Cytogenetic location: Xq12.
Variant type: single nucleotide variant.
Coding change: c.631G>A on transcript NM_000044.6 (MANE Select); coding-DNA position 631, G replaced by A.
Protein change: p.Ala211Thr; replaces alanine 211 with threonine.
Molecular consequence: missense variant. On other transcripts: 5 prime UTR variant (1).
Genome position (GRCh38, 1-based): chrX:67,545,777, G>A. VCF-style: chrX-67545777-G-A. GRCh37 (hg19) VCF-style: chrX-66765619-G-A.
Other names: c.-1153G>A (NM_001011645.3); c.631G>A, p.Ala211Thr (NM_001348061.1, NM_001348063.1, NM_001348064.1); short protein forms A211T.
Identifiers: ClinVar variation 1030549 (VCV001030549.4), dbSNP rs763968978, ClinGen allele CA10436299.